The following is an entry in ClinVar:

ClinVar aggregate classification (germline): Benign. Review status: criteria provided, single submitter (1 of 4 stars). 2 submissions from 2 submitters: Benign (1). 1 of the submissions does not count toward it. Last evaluated 2026-01-18.

Conditions:
FBN3-related disorder. Also called: FBN3-related condition.

Allele frequency attached by ClinVar (database versions not stated): gnomAD exomes 0.00050 and 0.00161; gnomAD 0.00051 and 0.00065; TOPMed 0.00089; ExAC 0.00154; 1000 Genomes Project 30x 0.00219; 1000 Genomes Project 0.00220.
gnomAD v4.1: 900 of 1,613,698 alleles (0.056%); highest among the groups gnomAD compares: East Asian, 1.7%; 10 homozygotes.

Submissions (2):

Labcorp Genetics (formerly Invitae), Labcorp
Classification: Benign. Last evaluated: 2026-01-18. Review status: criteria provided, single submitter. Criteria: Invitae Variant Classification Sherloc (09022015). Collection method: clinical testing. Allele origin: germline.

PreventionGenetics, part of Exact Sciences
Classification: Benign for FBN3-related condition. Last evaluated: 2019-08-14. Review status: no assertion criteria provided. Collection method: clinical testing. Allele origin: germline. Not counted in ClinVar's aggregate classification.
Comment: This variant is classified as benign based on ACMG/AMP sequence variant interpretation guidelines (Richards et al. 2015 PMID: 25741868, with internal and published modifications).

NM_032447.5(FBN3):c.3588C>T (p.Asp1196=)

Gene: FBN3 (fibrillin 3; minus strand). Cytogenetic location: 19p13.2.
Variant type: single nucleotide variant.
Coding change: c.3588C>T on transcript NM_032447.5 (MANE Select); coding-DNA position 3588, C replaced by T.
Protein change: p.Asp1196=; no amino-acid change (aspartic acid 1196 retained).
Molecular consequence: synonymous variant.
Genome position (GRCh38, 1-based): chr19:8,116,798, G>A on the plus strand (C>T on the coding strand, the complement: FBN3 is on the minus strand). VCF-style: chr19-8116798-G-A. GRCh37 (hg19) VCF-style: chr19-8181682-G-A.
Other names: c.3588C>T, p.Asp1196= (NM_001321431.2); c.3588C>T (NM_001321431.1).
Identifiers: ClinVar variation 1561464 (VCV001561464.10), dbSNP rs142760960, ClinGen allele CA9152389.
Genomic context (GRCh38, chr19:8,116,798, plus strand): 5'-TGGCATGTTGGTGCAGTGGCCTTGGTCACAAACGCGGGGGTTCTCTTCACACTCGTCCAC[G>A]TCTGGGGGAGCAGGGTTGGGGACTGTGCTTAGCTTTGCCCTGATAGACCACCCAGTACAC-3'
Protein context (NP_115823.3, residues 1186-1206): SLMPDGRACA[Asp1196=]VDECEENPRV